The following is an entry in ClinVar:

NM_001369.3(DNAH5):c.9379G>T (p.Glu3127Ter)

Gene: DNAH5 (dynein axonemal heavy chain 5; minus strand). Cytogenetic location: 5p15.2.
Variant type: single nucleotide variant.
Coding change: c.9379G>T on transcript NM_001369.3 (MANE Select); coding-DNA position 9379, G replaced by T.
Protein change: p.Glu3127Ter; replaces glutamic acid 3127 with a stop codon.
Molecular consequence: nonsense.
Genome position (GRCh38, 1-based): chr5:13,770,975, C>A on the plus strand (G>T on the coding strand, the complement: DNAH5 is on the minus strand). VCF-style: chr5-13770975-C-A. GRCh37 (hg19) VCF-style: chr5-13771084-C-A.
Other names: c.9379G>T (NM_001369.2); short protein forms E3127*.
Identifiers: ClinVar variation 1452490 (VCV001452490.8), dbSNP rs758303032, ClinGen allele CA113933156.

ClinVar aggregate classification (germline): Pathogenic/Likely pathogenic. Review status: criteria provided, multiple submitters, no conflicts (2 of 4 stars). 3 submissions from 3 submitters: Pathogenic (2); Likely pathogenic (1). Last evaluated 2024-06-17.

Conditions:
Primary ciliary dyskinesia. Also called: Ciliary dyskinesia. Identifiers: Orphanet 244, MedGen C0008780, MONDO:0016575, HP:0012265.
Primary ciliary dyskinesia 3. Identifiers: Orphanet 244, MedGen C1837618, MONDO:0012085, OMIM 608644.

Allele frequency attached by ClinVar (database versions not stated): gnomAD exomes 0.00001.
gnomAD v4.1: 8 of 1,609,198 alleles (0.0005%); highest among the groups gnomAD compares: Non-Finnish European, 0.00068%; no homozygotes.

Submissions (3):

Myriad Genetics, Inc.
Classification: Pathogenic for Primary ciliary dyskinesia 3. Last evaluated: 2024-06-17. Review status: criteria provided, single submitter. Criteria: Myriad Autosomal Dominant, Autosomal Recessive and X-Linked Classification Criteria (2023). Collection method: clinical testing. Allele origin: unknown.
Comment: NM_001369.2(DNAH5):c.9379G>T(E3127*) is expected to be pathogenic in the context of primary ciliary dyskinesia, DNAH5-related. This variant is predicted to lead to an abnormal or absent protein product due to the creation of a premature termination codon in DNAH5, a gene where loss-of-function variants are known to be pathogenic. Please note: this variant was assessed in the context of healthy population screening.

Natera, Inc.
Classification: Likely pathogenic for Primary ciliary dyskinesia. Last evaluated: 2024-04-23. Review status: criteria provided, single submitter. Criteria: Natera Variant Classification Schema (03/2026). Collection method: clinical testing. Allele origin: germline.
Comment: The c.9379G>T variant in DNAH5 is a nonsense variant predicted to introduce a stop codon at amino acid 3127. This variant is expected to result in nonsense mediated decay, truncation, or a dysfunctional protein product. This variant is rare in the general population with a frequency below the threshold expected for the associated phenotype(s). Given the available evidence, this variant is classified as Likely Pathogenic.

Labcorp Genetics (formerly Invitae), Labcorp
Classification: Pathogenic for Primary ciliary dyskinesia. Last evaluated: 2021-07-22. Review status: criteria provided, single submitter. Criteria: Invitae Variant Classification Sherloc (09022015). Collection method: clinical testing. Allele origin: germline.
Comment: This sequence change creates a premature translational stop signal (p.Glu3127*) in the DNAH5 gene. It is expected to result in an absent or disrupted protein product. Loss-of-function variants in DNAH5 are known to be pathogenic (PMID: 11788826, 16627867). This variant is not present in population databases (ExAC no frequency). This variant has not been reported in the literature in individuals with DNAH5-related conditions. For these reasons, this variant has been classified as Pathogenic.

Literature cited by the submitters: PubMed 11788826 (cited by Labcorp Genetics (formerly Invitae), Labcorp); PubMed 16627867 (cited by Labcorp Genetics (formerly Invitae), Labcorp).